The following is an entry in ClinVar:

NM_001130438.3(SPTAN1):c.1650+9G>T

Gene: SPTAN1 (spectrin alpha, non-erythrocytic 1; plus strand). Cytogenetic location: 9q34.11.
Variant type: single nucleotide variant.
Coding change: c.1650+9G>T on transcript NM_001130438.3 (MANE Select); 9 bases into the intron after coding-DNA position 1650, G replaced by T.
Molecular consequence: intron variant.
Genome position (GRCh38, 1-based): chr9:128,582,565, G>T. VCF-style: chr9-128582565-G-T. GRCh37 (hg19) VCF-style: chr9-131344844-G-T.
Other names: c.1686+9G>T (NM_001375318.1, NM_001375312.2); c.1650+9G>T (NM_001375311.2, NM_001375314.2, NM_001375310.1 and 5 more transcripts).
Identifiers: ClinVar variation 3896643 (VCV003896643.2).

ClinVar aggregate classification (germline): Likely benign (1 of 4 stars; one submission).

Submission:

Women's Health and Genetics/Laboratory Corporation of America, LabCorp
Classification: Likely benign. Last evaluated: 2025-04-24. Review status: criteria provided, single submitter. Criteria: LabCorp Variant Classification Summary - May 2015. Collection method: clinical testing. Allele origin: germline.
Comment: Variant summary: SPTAN1 c.1650+9G>T alters a non-conserved nucleotide located at a position not widely known to affect splicing. Consensus agreement among computation tools predicts no significant impact on normal splicing. However, these predictions have yet to be confirmed by functional studies. The variant was absent in 250822 control chromosomes (gnomAD). The available data on variant occurrences in the general population are insufficient to allow any conclusion about variant significance. To our knowledge, no occurrence of c.1650+9G>T in individuals affected with Epileptic Encephalopathy, Early Infantile, 5 and no experimental evidence demonstrating its impact on protein function have been reported. No submitters have cited clinical-significance assessments for this variant to ClinVar. Based on the evidence outlined above, the variant was classified as likely benign.